The following is an entry in ClinVar:

ClinVar aggregate classification (germline): Uncertain significance (1 of 4 stars; one submission).

Submission:

GeneDx
Classification: Uncertain significance. Last evaluated: 2024-03-06. Review status: criteria provided, single submitter. Criteria: GeneDx Variant Classification Process June 2021. Collection method: clinical testing. Allele origin: germline. Affected: yes.
Comment: Not observed at significant frequency in large population cohorts (gnomAD); In silico analysis supports that this missense variant has a deleterious effect on protein structure/function; Has not been previously published as pathogenic or benign to our knowledge

NM_005982.4(SIX1):c.324A>C (p.Lys108Asn)

Gene: SIX1 (SIX homeobox 1; minus strand). Cytogenetic location: 14q23.1.
Variant type: single nucleotide variant.
Coding change: c.324A>C on transcript NM_005982.4 (MANE Select); coding-DNA position 324, A replaced by C.
Protein change: p.Lys108Asn; replaces lysine 108 with asparagine.
Molecular consequence: missense variant.
Genome position (GRCh38, 1-based): chr14:60,648,866, T>G on the plus strand (A>C on the coding strand, the complement: SIX1 is on the minus strand). VCF-style: chr14-60648866-T-G. GRCh37 (hg19) VCF-style: chr14-61115584-T-G.
Other names: c.324A>C, p.Lys108Asn (NM_001425142.1); short protein forms K108N.
Identifiers: ClinVar variation 3373764 (VCV003373764.1).